The following is an entry in ClinVar:

ClinVar aggregate classification (germline): Benign/Likely benign. Review status: criteria provided, multiple submitters, no conflicts (2 of 4 stars). 15 submissions from 15 submitters: Benign (3); Likely benign (9). 3 of the submissions do not count toward it. Last evaluated 2026-07-01.

Conditions:
CHD7-related disorder. Also called: CHD7-related condition.
Inborn genetic diseases. Identifiers: MedGen C0950123, MeSH D030342.
Hypogonadotropic hypogonadism 5 with or without anosmia (KAL5). Also called: CHD7-Related GnRH Deficiency (Kallmann Syndrome 5); HYPOGONADOTROPIC HYPOGONADISM 5 WITH ANOSMIA; HYPOGONADOTROPHIC HYPOGONADISM 5 WITHOUT ANOSMIA. Identifiers: Orphanet 478, MedGen C3552553, MONDO:0012880, OMIM 612370. Disease mechanism: loss of function.
CHARGE syndrome (CHARGE). Also called: Hittner Hirsch Kreh syndrome; Coloboma, heart anomaly, choanal atresia, retardation, genital and ear anomalies; CHARGE association; Hall-Hittner syndrome; CHARGE ASSOCIATION--COLOBOMA, HEART ANOMALY, CHOANAL ATRESIA, RETARDATION, GENITAL AND EAR ANOMALIES. Identifiers: Orphanet 138, MedGen C0265354, MONDO:0008965.

Allele frequency attached by ClinVar (database versions not stated): ESP Exome Variant Server 0.00129; gnomAD 0.00166 and 0.00176; gnomAD exomes 0.00064 and 0.00123; ExAC 0.00124; 1000 Genomes Project 0.00140; 1000 Genomes Project 30x 0.00187; TOPMed 0.00204.
gnomAD v4.1: 1,245 of 1,611,326 alleles (0.077%); highest among the groups gnomAD compares: Middle Eastern, 0.78%; 3 homozygotes.

Submissions (15):

CeGaT Center for Human Genetics Tuebingen
Classification: Likely benign. Last evaluated: 2026-07-01. Review status: criteria provided, single submitter. Criteria: CeGaT Center For Human Genetics Tuebingen Variant Classification Criteria Version 2. Collection method: clinical testing. Allele origin: germline. Affected: yes. Observed: 17 variant alleles.
Comment: CHD7: BS1

Labcorp Genetics (formerly Invitae), Labcorp
Classification: Likely benign for CHARGE syndrome. Last evaluated: 2026-01-28. Review status: criteria provided, single submitter. Criteria: Invitae Variant Classification Sherloc (09022015). Collection method: clinical testing. Allele origin: germline.

Genomic Medicine Center of Excellence, King Faisal Specialist Hospital and Research Centre
Classification: Likely benign. Last evaluated: 2025-08-18. Review status: criteria provided, single submitter. Criteria: ACMG Guidelines, 2015. Collection method: clinical testing. Allele origin: germline.

Blueprint Genetics
Classification: Likely benign. Last evaluated: 2024-11-05. Review status: criteria provided, single submitter. Criteria: ACMG Guidelines, 2015. Collection method: clinical testing. Allele origin: germline.

GeneDx
Classification: Benign. Last evaluated: 2019-12-09. Review status: criteria provided, single submitter. Criteria: GeneDx Variant Classification Process June 2021. Collection method: clinical testing. Allele origin: germline. Affected: yes.
Comment: This variant is associated with the following publications: (PMID: 29255181, 31200363, 18073582, 21158681, 22033296, 31628846)

Ambry Genetics
Classification: Benign for Inborn genetic diseases. Last evaluated: 2019-03-26. Review status: criteria provided, single submitter. Criteria: Ambry Variant Classification Scheme 2023. Collection method: clinical testing. Allele origin: germline.

Genetic Services Laboratory, University of Chicago
Classification: Likely benign. Last evaluated: 2018-06-05. Review status: criteria provided, single submitter. Criteria: ACMG Guidelines, 2015. Collection method: clinical testing. Allele origin: germline. Affected: no.

Laboratory for Molecular Medicine, Mass General Brigham Personalized Medicine
Classification: Likely benign. Last evaluated: 2018-05-18. Review status: criteria provided, single submitter. Criteria: LMM Criteria. Collection method: clinical testing. Allele origin: germline. Observed: 1 variant allele.
Comment: p.Leu2806Val in exon 38 of CHD7: This variant is classified as likely benign bec ause it has been identified in 0.37% (85/22966) of African chromosomes (included in 322/269740 total chromosomes) by the Genome Aggregation Database (gnomAD; dbSNP rs45521933). ACMG/AMP Criteria applied: BS 1.

Illumina Laboratory Services, Illumina
Classification: Benign for Kallmann Syndrome 5. Last evaluated: 2018-01-12. Review status: criteria provided, single submitter. Criteria: ICSL Variant Classification Criteria 13 December 2019. Collection method: clinical testing. Allele origin: germline.
Comment: This variant was observed in the ICSL laboratory as part of a predisposition screen in an ostensibly healthy population. It had not been previously curated by ICSL or reported in the Human Gene Mutation Database (HGMD: prior to June 1st, 2018), and was therefore a candidate for classification through an automated scoring system. Utilizing variant allele frequency, disease prevalence and penetrance estimates, and inheritance mode, an automated score was calculated to assess if this variant is too frequent to cause the disease. Based on the score and internal cut-off values, a variant classified as benign is not then subjected to further curation. The score for this variant resulted in a classification of benign for this disease.

Women's Health and Genetics/Laboratory Corporation of America, LabCorp
Classification: Likely benign. Last evaluated: 2016-01-25. Review status: criteria provided, single submitter. Criteria: LabCorp Variant Classification Summary - May 2015. Collection method: clinical testing. Allele origin: germline.

Eurofins Ntd Llc (ga)
Classification: Likely benign. Last evaluated: 2014-04-03. Review status: criteria provided, single submitter. Criteria: EGL Classification Definitions 2015. Collection method: clinical testing. Allele origin: germline. Observed: 3 variant alleles, 3 heterozygotes.

Breakthrough Genomics
Classification: Likely benign. Review status: criteria provided, single submitter. Criteria: ACMG Guidelines, 2015. Collection method: not provided. Allele origin: germline. Inheritance: Autosomal dominant inheritance. Affected: yes.

PreventionGenetics, part of Exact Sciences
Classification: Likely benign for CHD7-related condition. Last evaluated: 2020-02-25. Review status: no assertion criteria provided. Collection method: clinical testing. Allele origin: germline. Not counted in ClinVar's aggregate classification.
Comment: This variant is classified as likely benign based on ACMG/AMP sequence variant interpretation guidelines (Richards et al. 2015 PMID: 25741868, with internal and published modifications).

Clinical Genetics DNA and cytogenetics Diagnostics Lab, Erasmus MC, Erasmus Medical Center
Classification: Likely benign. Review status: no assertion criteria provided. Collection method: clinical testing. Allele origin: germline. Affected: yes. Study: VKGL Data-share Consensus. Not counted in ClinVar's aggregate classification.

Laboratory of Diagnostic Genome Analysis, Leiden University Medical Center (LUMC)
Classification: Likely benign. Review status: no assertion criteria provided. Collection method: clinical testing. Allele origin: germline. Affected: yes. Study: VKGL Data-share Consensus. Not counted in ClinVar's aggregate classification.

Literature cited by the submitters: PubMed 18073582 (cited by 3 submitters); PubMed 21158681 (cited by 3 submitters); PubMed 22033296 (cited by 3 submitters); PubMed 29255181 (cited by Laboratory for Molecular Medicine, Mass General Brigham Personalized Medicine); PubMed 25931334 (cited by Women's Health and Genetics/Laboratory Corporation of America, LabCorp); PubMed 22461308 (cited by Women's Health and Genetics/Laboratory Corporation of America, LabCorp); PubMed 22539353 (cited by Women's Health and Genetics/Laboratory Corporation of America, LabCorp).

NM_017780.4(CHD7):c.8416C>G (p.Leu2806Val)

Gene: CHD7 (chromodomain helicase DNA binding protein 7; plus strand). Cytogenetic location: 8q12.2.
Variant type: single nucleotide variant.
Coding change: c.8416C>G on transcript NM_017780.4 (MANE Select); coding-DNA position 8416, C replaced by G.
Protein change: p.Leu2806Val; replaces leucine 2806 with valine.
Molecular consequence: missense variant.
Genome position (GRCh38, 1-based): chr8:60,865,355, C>G. VCF-style: chr8-60865355-C-G. GRCh37 (hg19) VCF-style: chr8-61777914-C-G.
Other names: c.2269C>G, p.Leu757Val (NM_001316690.1); c.8416C>G, p.Leu2806Val (LRG_176t1); short protein forms L2806V, L757V.
Identifiers: ClinVar variation 95814 (VCV000095814.62), dbSNP rs45521933, ClinGen allele CA171767.